The following is an entry in ClinVar:

ClinVar aggregate classification (germline): Likely benign (0 of 4 stars; one submission).

Conditions:
YEATS2-related disorder. Also called: YEATS2-related condition.

Submission:

PreventionGenetics, part of Exact Sciences
Classification: Likely benign for YEATS2-related condition. Last evaluated: 2022-08-09. Review status: no assertion criteria provided. Collection method: clinical testing. Allele origin: germline.
Comment: This variant is classified as likely benign based on ACMG/AMP sequence variant interpretation guidelines (Richards et al. 2015 PMID: 25741868, with internal and published modifications).

NM_018023.5(YEATS2):c.1657-10AC[3]

Gene: YEATS2 (YEATS domain containing 2; plus strand). Cytogenetic location: 3q27.1.
Variant type: Microsatellite.
Coding change: c.1657-10AC[3] on transcript NM_018023.5 (MANE Select); three copies in a row of the 2-base unit AC starting at c.1657-10.
Molecular consequence: splice acceptor variant.
Genome position: GRCh38 VCF-style: chr3-183761496-TAC-T. GRCh37 (hg19) VCF-style: chr3-183479284-TAC-T.
Other names: c.1660-10AC[3] (NM_001351370.2); c.1657-10AC[3] (NM_001351371.2, NM_001351369.2).
Identifiers: ClinVar variation 3054451 (VCV003054451.2), dbSNP rs947273346, ClinGen allele CA88784977.